The following is an entry in ClinVar:

ClinVar aggregate classification (germline): Conflicting classifications of pathogenicity. Review status: criteria provided, conflicting classifications (1 of 4 stars). 2 submissions from 2 submitters: Uncertain significance (1); Likely benign (1). Last evaluated 2023-03-23.

Conditions:
Hereditary cancer-predisposing syndrome. Also called: Neoplastic Syndromes, Hereditary; Hereditary Cancer Syndrome; Tumor predisposition; Hereditary neoplastic syndrome. Identifiers: Orphanet 140162, MedGen C0027672, MeSH D009386, MONDO:0015356.
Hereditary breast ovarian cancer syndrome. Also called: Breast and ovarian cancer; Hereditary breast and ovarian cancer; Hereditary breast and ovarian cancer syndrome; Hereditary breast and ovarian cancer syndrome (HBOC); BRCA1- and BRCA2-Associated Hereditary Breast and Ovarian Cancer; Hereditary breast and/or ovarian cancer syndrome. Identifiers: Orphanet 145, MedGen C0677776, MeSH D061325, MONDO:0003582. Disease mechanism: loss of function.

Submissions (2):

University of Washington Department of Laboratory Medicine, University of Washington
Classification: Likely benign for Hereditary cancer-predisposing syndrome. Last evaluated: 2023-03-23. Review status: criteria provided, single submitter. Criteria: Dines et al. (Genet Med. 2020). Collection method: curation. Allele origin: germline.
Comment: Missense variant in a coldspot region where missense variants are very unlikely to be pathogenic (PMID:31911673).

BRCA2 exon 11 coldspot. Reclassification based on statistical prior probability.

Labcorp Genetics (formerly Invitae), Labcorp
Classification: Uncertain significance for Hereditary breast ovarian cancer syndrome. Last evaluated: 2022-10-24. Review status: criteria provided, single submitter. Criteria: Invitae Variant Classification Sherloc (09022015). Collection method: clinical testing. Allele origin: germline.
Comment: This variant has not been reported in the literature in individuals affected with BRCA2-related conditions. This sequence change replaces alanine, which is neutral and non-polar, with threonine, which is neutral and polar, at codon 1826 of the BRCA2 protein (p.Ala1826Thr). This variant is not present in population databases (gnomAD no frequency). ClinVar contains an entry for this variant (Variation ID: 1471913). Advanced modeling of protein sequence and biophysical properties (such as structural, functional, and spatial information, amino acid conservation, physicochemical variation, residue mobility, and thermodynamic stability) performed at Invitae indicates that this missense variant is not expected to disrupt BRCA2 protein function. In summary, the available evidence is currently insufficient to determine the role of this variant in disease. Therefore, it has been classified as a Variant of Uncertain Significance.

NM_000059.4(BRCA2):c.5476G>A (p.Ala1826Thr)

Gene: BRCA2 (BRCA2 DNA repair associated; plus strand). Cytogenetic location: 13q13.1.
Variant type: single nucleotide variant.
Coding change: c.5476G>A on transcript NM_000059.4 (MANE Select); coding-DNA position 5476, G replaced by A.
Protein change: p.Ala1826Thr; replaces alanine 1826 with threonine.
Molecular consequence: missense variant.
Genome position (GRCh38, 1-based): chr13:32,339,831, G>A. VCF-style: chr13-32339831-G-A. GRCh37 (hg19) VCF-style: chr13-32913968-G-A.
Other names: short protein forms A1826T.
Identifiers: ClinVar variation 1471913 (VCV001471913.8), dbSNP rs2072530360, ClinGen allele CA387785697.
Genomic context (GRCh38, chr13:32,339,831, plus strand): 5'-GAAGATATTTGCGTTGAGGAACTTGTGACTAGCTCTTCACCCTGCAAAAATAAAAATGCA[G>A]CCATTAAATTGTCCATATCTAATAGTAATAATTTTGAGGTAGGGCCACCTGCATTTAGGA-3'
Protein context (NP_000050.3, residues 1816-1836): SSSPCKNKNA[Ala1826Thr]IKLSISNSNN